The following is an entry in ClinVar:

ClinVar aggregate classification (germline): Uncertain significance (1 of 4 stars; one submission).

Conditions:
Cystic fibrosis (CF). Also called: MUCOVISCIDOSIS. Identifiers: Orphanet 586, MedGen C0010674, MONDO:0009061, OMIM 219700. Disease mechanism: loss of function.

Submission:

Ambry Genetics
Classification: Uncertain significance for Cystic fibrosis. Last evaluated: 2024-12-20. Review status: criteria provided, single submitter. Criteria: Ambry Variant Classification Scheme 2023. Collection method: clinical testing. Allele origin: germline.
Comment: The p.T680I variant (also known as c.2039C>T), located in coding exon 14 of the CFTR gene, results from a C to T substitution at nucleotide position 2039. The threonine at codon 680 is replaced by isoleucine, an amino acid with similar properties. This amino acid position is conserved. In addition, this alteration is predicted to be tolerated by in silico analysis. Based on the available evidence, the clinical significance of this variant remains unclear.

NM_000492.4(CFTR):c.2039C>T (p.Thr680Ile)

Gene: CFTR (CF transmembrane conductance regulator; plus strand). Cytogenetic location: 7q31.2.
Variant type: single nucleotide variant.
Coding change: c.2039C>T on transcript NM_000492.4 (MANE Select); coding-DNA position 2039, C replaced by T.
Protein change: p.Thr680Ile; replaces threonine 680 with isoleucine.
Molecular consequence: missense variant.
Genome position (GRCh38, 1-based): chr7:117,592,206, C>T. VCF-style: chr7-117592206-C-T. GRCh37 (hg19) VCF-style: chr7-117232260-C-T.
Other names: short protein forms T680I.
Identifiers: ClinVar variation 3832535 (VCV003832535.1).